The following is an entry in ClinVar:

NM_003072.5(SMARCA4):c.1906G>A (p.Ala636Thr)

Gene: SMARCA4 (SWI/SNF related BAF chromatin remodeling complex subunit ATPase 4; plus strand). Cytogenetic location: 19p13.2.
Variant type: single nucleotide variant.
Coding change: c.1906G>A on transcript NM_003072.5 (MANE Select); coding-DNA position 1906, G replaced by A.
Protein change: p.Ala636Thr; replaces alanine 636 with threonine.
Molecular consequence: missense variant. On other transcripts: non-coding transcript variant (1).
Genome position (GRCh38, 1-based): chr19:11,003,122, G>A. VCF-style: chr19-11003122-G-A. GRCh37 (hg19) VCF-style: chr19-11113798-G-A.
Other names: c.1906G>A, p.Ala636Thr (NM_001128844.3, NM_001128845.2, NM_001128846.2 and 6 more transcripts); short protein forms A636T.
Identifiers: ClinVar variation 5029879 (VCV005029879.1).

ClinVar aggregate classification (germline): Uncertain significance (1 of 4 stars; one submission).

Conditions:
Hereditary cancer-predisposing syndrome. Also called: Neoplastic Syndromes, Hereditary; Tumor predisposition; Hereditary neoplastic syndrome; Hereditary Cancer Syndrome. Identifiers: Orphanet 140162, MedGen C0027672, MeSH D009386, MONDO:0015356.

Submission:

Ambry Genetics
Classification: Uncertain significance for Hereditary cancer-predisposing syndrome. Last evaluated: 2026-08-11. Review status: criteria provided, single submitter. Criteria: Ambry Variant Classification Scheme 2023. Collection method: clinical testing. Allele origin: germline.
Comment: The p.A636T variant (also known as c.1906G>A), located in coding exon 11 of the SMARCA4 gene, results from a G to A substitution at nucleotide position 1906. The alanine at codon 636 is replaced by threonine, an amino acid with similar properties. This amino acid position is conserved. In addition, the in silico prediction for this alteration is inconclusive. Based on the available evidence, the clinical significance of this variant remains unclear.